The following is an entry in ClinVar:

ClinVar aggregate classification (germline): Pathogenic (1 of 4 stars; one submission).

Conditions:
Hereditary cancer-predisposing syndrome. Also called: Hereditary Cancer Syndrome; Hereditary neoplastic syndrome; Neoplastic Syndromes, Hereditary; Tumor predisposition. Identifiers: Orphanet 140162, MedGen C0027672, MeSH D009386, MONDO:0015356.

Submission:

Ambry Genetics
Classification: Pathogenic for Hereditary cancer-predisposing syndrome. Last evaluated: 2022-02-24. Review status: criteria provided, single submitter. Criteria: Ambry Variant Classification Scheme 2023. Collection method: clinical testing. Allele origin: germline.
Comment: The c.1413dupT pathogenic mutation, located in coding exon 10 of the FH gene, results from a duplication of T at nucleotide position 1413, causing a translational frameshift with a predicted alternate stop codon (p.A472Cfs*2). This alteration occurs at the 3' terminus of theFH gene, is not expected to trigger nonsense-mediated mRNA decay, and only impacts the last 39 amino acids of the protein. However, premature stop codons are typically deleterious in nature and the impacted region is critical for protein function (Ambry internal data). In addition, this alteration has been observed in at least one individual with a personal and/or family history that is consistent with FH-related disease (Ambry internal data). This variant is also considered to be rare based on population cohorts in the Genome Aggregation Database (gnomAD). Based on the supporting evidence, this alteration is interpreted as a disease-causing mutation.

NM_000143.4(FH):c.1413dup (p.Ala472fs)

Gene: FH (fumarate hydratase; minus strand). Cytogenetic location: 1q43.
Variant type: Duplication.
Coding change: c.1413dup on transcript NM_000143.4 (MANE Select); coding-DNA position 1413, one base duplicated (T; older notation c.1413dupT).
Protein change: p.Ala472fs; shifts the reading frame from alanine 472.
Molecular consequence: frameshift variant.
Genome position (GRCh38, 1-based): chr1:241,497,948, A duplicated on the plus strand (T on the coding strand, the reverse complement: FH is on the minus strand); the first of 2 consecutive A bases (chr1:241,497,948-241,497,949); duplicating either gives the same sequence. VCF-style (leftmost placement, unchanged base first): chr1-241497947-C-CA. GRCh37 (hg19) VCF-style: chr1-241661247-C-CA.
Other names: c.1413dupT (NM_000143.3); short protein forms A472fs.
Identifiers: ClinVar variation 1772087 (VCV001772087.2), dbSNP rs2527308607, ClinGen allele CA2580063426.